The following is an entry in ClinVar:

NM_032888.4(COL27A1):c.63-3_77del

Gene: COL27A1 (collagen type XXVII alpha 1 chain; plus strand). Cytogenetic location: 9q32.
Variant type: Deletion.
Coding change: c.63-3_77del on transcript NM_032888.4 (MANE Select); 3 bases into the intron before coding-DNA position 63 through coding-DNA position 77, 18 bases deleted (TAGGGGGTTTCTCTTCTC).
Molecular consequence: splice acceptor variant.
Genome position (GRCh38, 1-based): chr9:114,162,712-114,162,729, TAGGGGGTTTCTCTTCTC deleted; deleting any 18 consecutive bases within chr9:114,162,708-114,162,729 gives the same sequence; the c. name uses the placement nearest the transcript's 3' end. VCF-style (leftmost placement, unchanged base first): chr9-114162707-GTCTCTAGGGGGTTTCTCT-G. GRCh37 (hg19) VCF-style: chr9-116924987-GTCTCTAGGGGGTTTCTCT-G.
Identifiers: ClinVar variation 2018919 (VCV002018919.4), dbSNP rs2490483708, ClinGen allele CA2580079436.

ClinVar aggregate classification (germline): Likely pathogenic (1 of 4 stars; one submission).

Submission:

Labcorp Genetics (formerly Invitae), Labcorp
Classification: Likely pathogenic. Last evaluated: 2022-07-31. Review status: criteria provided, single submitter. Criteria: Invitae Variant Classification Sherloc (09022015). Collection method: clinical testing. Allele origin: germline.
Comment: In summary, the currently available evidence indicates that the variant is pathogenic, but additional data are needed to prove that conclusively. Therefore, this variant has been classified as Likely Pathogenic. This variant has not been reported in the literature in individuals affected with COL27A1-related conditions. This variant is not present in population databases (gnomAD no frequency). This variant results in the deletion of part of exon 2 (c.63-3_77del) of the COL27A1 gene. It is expected to disrupt RNA splicing. Variants that disrupt the donor or acceptor splice site typically lead to a loss of protein function (PMID: 16199547), and loss-of-function variants in COL27A1 are known to be pathogenic (PMID: 24986830, 28276056).

Literature cited by the submitters: PubMed 16199547; PubMed 24986830; PubMed 28276056.